The following is an entry in ClinVar:

NM_006005.3(WFS1):c.1915T>G (p.Trp639Gly)

Gene: WFS1 (wolframin ER transmembrane glycoprotein; plus strand). Cytogenetic location: 4p16.1.
Variant type: single nucleotide variant.
Coding change: c.1915T>G on transcript NM_006005.3 (MANE Select); coding-DNA position 1915, T replaced by G.
Protein change: p.Trp639Gly; replaces tryptophan 639 with glycine.
Molecular consequence: missense variant.
Genome position (GRCh38, 1-based): chr4:6,301,710, T>G. VCF-style: chr4-6301710-T-G. GRCh37 (hg19) VCF-style: chr4-6303437-T-G.
Other names: c.1915T>G, p.Trp639Gly (NM_001145853.1); short protein forms W639G.
Identifiers: ClinVar variation 3720568 (VCV003720568.3).

ClinVar aggregate classification (germline): Pathogenic/Likely pathogenic. Review status: criteria provided, multiple submitters, no conflicts (2 of 4 stars). 2 submissions from 2 submitters: Pathogenic (1); Likely pathogenic (1). Last evaluated 2024-10-03.

Conditions:
WFS1-related disorder. Identifiers: MedGen CN379391, MONDO:0700293.

gnomAD v4.1: 1 of 1,614,074 alleles (0.000062%); highest among the groups gnomAD compares: Non-Finnish European, 0.000085%; no homozygotes.

Submissions (2):

Labcorp Genetics (formerly Invitae), Labcorp
Classification: Pathogenic. Last evaluated: 2024-10-03. Review status: criteria provided, single submitter. Criteria: Invitae Variant Classification Sherloc (09022015). Collection method: clinical testing. Allele origin: germline.
Comment: This sequence change replaces tryptophan, which is neutral and slightly polar, with glycine, which is neutral and non-polar, at codon 639 of the WFS1 protein (p.Trp639Gly). This variant is not present in population databases (gnomAD no frequency). This missense change has been observed in individual(s) with clinical features of Wolfram syndrome (PMID: 24890733; internal data). It has also been observed to segregate with disease in related individuals. Invitae Evidence Modeling of protein sequence and biophysical properties (such as structural, functional, and spatial information, amino acid conservation, physicochemical variation, residue mobility, and thermodynamic stability) indicates that this missense variant is not expected to disrupt WFS1 protein function with a negative predictive value of 80%. For these reasons, this variant has been classified as Pathogenic.

Blueprint Genetics
Classification: Likely pathogenic for WFS1-related disorders. Last evaluated: 2024-02-29. Review status: criteria provided, single submitter. Criteria: ACMG Guidelines, 2015. Collection method: clinical testing. Allele origin: germline. Affected: yes. Observed: 1 variant allele.

Literature cited by the submitters: PubMed 24890733 (cited by Labcorp Genetics (formerly Invitae), Labcorp).